The following is an entry in ClinVar:

ClinVar aggregate classification (germline): Pathogenic (1 of 4 stars; one submission).

Submissions (2):

GeneDx
Classification: Pathogenic. Last evaluated: 2014-06-10. Review status: criteria provided, single submitter. Criteria: GeneDx Variant Classification (06012015). Collection method: clinical testing. Allele origin: germline. Affected: yes.
Comment: The Q891X nonsense mutation in the CDKL5 gene is predicted to cause loss of normal protein function either through protein truncation or nonsense-mediated mRNA decay. Although this mutation has not been reported previously to our knowledge, other nonsense mutations have been reported in the CDKL5 gene. The variant is found in INFANT-EPI panel(s).

Dr. Peter K. Rogan Lab, Western University
No classification provided (evidence only). Condition: Thyroid cancer, nonmedullary, 1. Review status: no classification provided. Collection method: in vitro. Allele origin: not applicable. Functional consequence: retained intron. Not counted in ClinVar's aggregate classification.

NM_001323289.2(CDKL5):c.2671C>T (p.Gln891Ter)

Gene: CDKL5 (cyclin dependent kinase like 5; plus strand). Cytogenetic location: Xp22.13.
Variant type: single nucleotide variant.
Coding change: c.2671C>T on transcript NM_001323289.2 (MANE Select); coding-DNA position 2671, C replaced by T.
Protein change: p.Gln891Ter; replaces glutamine 891 with a stop codon.
Molecular consequence: nonsense.
Genome position (GRCh38, 1-based): chrX:18,628,545, C>T. VCF-style: chrX-18628545-C-T. GRCh37 (hg19) VCF-style: chrX-18646665-C-T.
Other names: p.Q891*:CAG>TAG; NC_000023.10:g.18646665C>T; c.2671C>T, p.Gln891Ter (NM_001037343.2, NM_003159.3); short protein forms Q891*.
Identifiers: ClinVar variation 156692 (VCV000156692.3), dbSNP rs587783159, ClinGen allele CA294766.